The following is an entry in ClinVar:

ClinVar aggregate classification (germline): Uncertain significance. Review status: criteria provided, multiple submitters, no conflicts (2 of 4 stars). 2 submissions from 2 submitters: Uncertain significance (2). Last evaluated 2024-12-31.

Conditions:
Hereditary cancer-predisposing syndrome. Also called: Tumor predisposition; Hereditary neoplastic syndrome; Hereditary Cancer Syndrome; Neoplastic Syndromes, Hereditary. Identifiers: Orphanet 140162, MedGen C0027672, MeSH D009386, MONDO:0015356.
BAP1-related tumor predisposition syndrome (TPDS1). Also called: Tumor susceptibility linked to germline BAP1 mutations; BAP1 tumor predisposition syndrome; TUMOR PREDISPOSITION SYNDROME 1; COMMON Syndrome. Identifiers: Orphanet 289539, MedGen C3280492, MONDO:0013692, OMIM 614327.

Submissions (2):

Labcorp Genetics (formerly Invitae), Labcorp
Classification: Uncertain significance for BAP1-related tumor predisposition syndrome. Last evaluated: 2024-12-31. Review status: criteria provided, single submitter. Criteria: Invitae Variant Classification Sherloc (09022015). Collection method: clinical testing. Allele origin: germline.
Comment: This sequence change replaces leucine, which is neutral and non-polar, with valine, which is neutral and non-polar, at codon 108 of the BAP1 protein (p.Leu108Val). This variant is not present in population databases (gnomAD no frequency). This variant has not been reported in the literature in individuals affected with BAP1-related conditions. ClinVar contains an entry for this variant (Variation ID: 3224462). Invitae Evidence Modeling of protein sequence and biophysical properties (such as structural, functional, and spatial information, amino acid conservation, physicochemical variation, residue mobility, and thermodynamic stability) has been performed for this missense variant. However, the output from this modeling did not meet the statistical confidence thresholds required to predict the impact of this variant on BAP1 protein function. In summary, the available evidence is currently insufficient to determine the role of this variant in disease. Therefore, it has been classified as a Variant of Uncertain Significance.

Ambry Genetics
Classification: Uncertain significance for Hereditary cancer-predisposing syndrome. Last evaluated: 2023-12-25. Review status: criteria provided, single submitter. Criteria: Ambry Variant Classification Scheme 2023. Collection method: clinical testing. Allele origin: germline.
Comment: The p.L108V variant (also known as c.322C>G), located in coding exon 5 of the BAP1 gene, results from a C to G substitution at nucleotide position 322. The leucine at codon 108 is replaced by valine, an amino acid with highly similar properties. This amino acid position is conserved. In addition, this alteration is predicted to be tolerated by in silico analysis. Since supporting evidence is limited at this time, the clinical significance of this alteration remains unclear.

NM_004656.4(BAP1):c.322C>G (p.Leu108Val)

Gene: BAP1 (BRCA1 associated deubiquitinase 1; minus strand). Cytogenetic location: 3p21.1.
Variant type: single nucleotide variant.
Coding change: c.322C>G on transcript NM_004656.4 (MANE Select); coding-DNA position 322, C replaced by G.
Protein change: p.Leu108Val; replaces leucine 108 with valine.
Molecular consequence: missense variant.
Genome position (GRCh38, 1-based): chr3:52,408,011, G>C on the plus strand (C>G on the coding strand, the complement: BAP1 is on the minus strand). VCF-style: chr3-52408011-G-C. GRCh37 (hg19) VCF-style: chr3-52442027-G-C.
Other names: c.322C>G, p.Leu108Val (NM_001410772.1); short protein forms L108V.
Identifiers: ClinVar variation 3224462 (VCV003224462.3), dbSNP rs2153228107, ClinGen allele CA353112185.